The following is an entry in ClinVar:

NM_000175.5(GPI):c.1497C>T (p.Phe499=)

Gene: GPI (glucose-6-phosphate isomerase; plus strand). Cytogenetic location: 19q13.11.
Variant type: single nucleotide variant.
Coding change: c.1497C>T on transcript NM_000175.5 (MANE Select); coding-DNA position 1497, C replaced by T.
Protein change: p.Phe499=; no amino-acid change (phenylalanine 499 retained).
Molecular consequence: synonymous variant.
Genome position (GRCh38, 1-based): chr19:34,399,741, C>T. VCF-style: chr19-34399741-C-T. GRCh37 (hg19) VCF-style: chr19-34890646-C-T.
Other names: c.1530C>T, p.Phe510= (NM_001184722.1); c.1614C>T, p.Phe538= (NM_001289789.1); c.1413C>T, p.Phe471= (NM_001289790.3); c.1497C>T, p.Phe499= (NM_001329909.1, NM_001329910.1); c.1470C>T, p.Phe490= (NM_001329911.2); c.1497C>T (NM_000175.4).
Identifiers: ClinVar variation 738456 (VCV000738456.13), dbSNP rs138799755, ClinGen allele CA9367452.

ClinVar aggregate classification (germline): Likely benign. Review status: criteria provided, multiple submitters, no conflicts (2 of 4 stars). 4 submissions from 4 submitters: Likely benign (3). 1 of the submissions does not count toward it. Last evaluated 2025-12-30.

Conditions:
GPI-related disorder. Also called: GPI-related condition.
Hemolytic anemia due to glucophosphate isomerase deficiency (CNSHA4). Also called: ANEMIA, CONGENITAL, NONSPHEROCYTIC HEMOLYTIC, 4. Identifiers: Orphanet 712, MedGen C0272064, MONDO:0013275, OMIM 613470.

Allele frequency attached by ClinVar (database versions not stated): ESP Exome Variant Server 0.00015; TOPMed 0.00015; gnomAD 0.00020 and 0.00023.
gnomAD v4.1: 106 of 1,613,938 alleles (0.0066%); highest among the groups gnomAD compares: African/African-American, 0.047%; no homozygotes.

Submissions (4):

Labcorp Genetics (formerly Invitae), Labcorp
Classification: Likely benign. Last evaluated: 2025-12-30. Review status: criteria provided, single submitter. Criteria: Invitae Variant Classification Sherloc (09022015). Collection method: clinical testing. Allele origin: germline.

Blueprint Genetics
Classification: Likely benign. Last evaluated: 2023-08-09. Review status: criteria provided, single submitter. Criteria: ACMG Guidelines, 2015. Collection method: clinical testing. Allele origin: germline.

ARUP Laboratories, Molecular Genetics and Genomics, ARUP Laboratories
Classification: Likely benign for Hemolytic anemia due to glucophosphate isomerase deficiency. Last evaluated: 2022-05-09. Review status: criteria provided, single submitter. Criteria: ARUP Molecular Germline Variant Investigation Process 2021. Collection method: clinical testing. Allele origin: germline.

PreventionGenetics, part of Exact Sciences
Classification: Likely benign for GPI-related condition. Last evaluated: 2019-06-17. Review status: no assertion criteria provided. Collection method: clinical testing. Allele origin: germline. Not counted in ClinVar's aggregate classification.
Comment: This variant is classified as likely benign based on ACMG/AMP sequence variant interpretation guidelines (Richards et al. 2015 PMID: 25741868, with internal and published modifications).